The following is an entry in ClinVar:

NM_025137.4(SPG11):c.704_705del (p.His235fs)

Gene: SPG11 (SPG11 vesicle trafficking associated, spatacsin; minus strand). Cytogenetic location: 15q21.1.
Variant type: Deletion.
Coding change: c.704_705del on transcript NM_025137.4 (MANE Select); coding-DNA positions 704 to 705, 2 bases deleted (AT; older notation c.704_705delAT).
Protein change: p.His235fs; shifts the reading frame from histidine 235.
Molecular consequence: frameshift variant.
Genome position (GRCh38, 1-based): chr15:44,657,259-44,657,260, AT deleted on the plus strand (AT on the coding strand, the reverse complement: SPG11 is on the minus strand). VCF-style (leftmost placement, unchanged base first): chr15-44657258-CAT-C. GRCh37 (hg19) VCF-style: chr15-44949456-CAT-C.
Other names: c.704_705del, p.His235fs (NM_001160227.2); c.704_705del (NM_025137.3); short protein forms H235fs.
Identifiers: ClinVar variation 41359 (VCV000041359.22), dbSNP rs312262719, ClinGen allele CA344392.

ClinVar aggregate classification (germline): Pathogenic. Review status: criteria provided, multiple submitters, no conflicts (2 of 4 stars). 8 submissions from 8 submitters: Pathogenic (7). 1 of the submissions does not count toward it. Last evaluated 2025-11-10.

Conditions:
Amyotrophic lateral sclerosis type 5 (ALS5). Also called: AMYOTROPHIC LATERAL SCLEROSIS 5, JUVENILE. Identifiers: Orphanet 300605, MedGen C1865864, MONDO:0011196, OMIM 602099.
Charcot-Marie-Tooth disease axonal type 2X. Also called: CHARCOT-MARIE-TOOTH DISEASE, AXONAL, AUTOSOMAL RECESSIVE, TYPE 2X; CHARCOT-MARIE-TOOTH NEUROPATHY, TYPE 2X. Identifiers: Orphanet 466775, MedGen C5569024, MONDO:0014726, OMIM 616668.
Hereditary spastic paraplegia 11. Also called: SPASTIC PARAPLEGIA, AUTOSOMAL RECESSIVE, COMPLICATED, WITH THIN CORPUS CALLOSUM; SPASTIC PARAPLEGIA, AUTOSOMAL RECESSIVE, WITH MENTAL IMPAIRMENT AND THIN CORPUS CALLOSUM; Spastic paraplegia, mental retardation and thin corpus callosum; Spastic Paraplegia 11; Nakamura Osame syndrome; Autosomal recessive hereditary spastic paraplegia, mental impairment, and thin corpus callosum. Identifiers: Orphanet 2822, MedGen C1858479, MONDO:0011445, OMIM 604360.

Allele frequency attached by ClinVar (database versions not stated): TOPMed below 0.00001; ExAC 0.00001; gnomAD exomes 0.00001 and 0.00002.

Submissions (8):

Labcorp Genetics (formerly Invitae), Labcorp
Classification: Pathogenic for Hereditary spastic paraplegia 11. Last evaluated: 2025-11-10. Review status: criteria provided, single submitter. Criteria: Invitae Variant Classification Sherloc (09022015). Collection method: clinical testing. Allele origin: germline.
Comment: This sequence change creates a premature translational stop signal (p.His235Argfs*12) in the SPG11 gene. It is expected to result in an absent or disrupted protein product. Loss-of-function variants in SPG11 are known to be pathogenic (PMID: 19105190, 20110243, 22154821, 26556829). This variant is present in population databases (rs312262719, gnomAD 0.003%). This premature translational stop signal has been observed in individuals with hereditary spastic paraplegia and Charcot-Marie-Tooth disease (PMID: 18079167, 22696581, 26556829). ClinVar contains an entry for this variant (Variation ID: 41359). Algorithms developed to predict the effect of sequence changes on RNA splicing suggest that this variant may disrupt the consensus splice site. For these reasons, this variant has been classified as Pathogenic.

GeneDx
Classification: Pathogenic. Last evaluated: 2025-04-22. Review status: criteria provided, single submitter. Criteria: GeneDx Variant Classification Process June 2021. Collection method: clinical testing. Allele origin: germline. Affected: yes.
Comment: Frameshift variant predicted to result in protein truncation or nonsense mediated decay in a gene for which loss-of-function is a known mechanism of disease; Not observed at a significant frequency in large population cohorts (gnomAD); This variant is associated with the following publications: (PMID: 29946510, 22154821, 19224311, 31589614, 34983064, 18079167)

Institute of Human Genetics, University of Leipzig Medical Center
Classification: Pathogenic for Hereditary spastic paraplegia 11. Last evaluated: 2024-10-25. Review status: criteria provided, single submitter. Criteria: ACMG Guidelines, 2015. Collection method: clinical testing. Allele origin: unknown. Inheritance: Autosomal recessive inheritance. Affected: yes.
Comment: Criteria applied: PVS1,PM2

Fulgent Genetics
Classification: Pathogenic for Amyotrophic lateral sclerosis type 5; Hereditary spastic paraplegia 11; Charcot-Marie-Tooth disease axonal type 2X. Last evaluated: 2024-03-16. Review status: criteria provided, single submitter. Criteria: ACMG Guidelines, 2015. Collection method: clinical testing. Allele origin: germline.

Institute of Human Genetics Munich, TUM University Hospital
Classification: Pathogenic for Hereditary spastic paraplegia 11. Last evaluated: 2023-07-14. Review status: criteria provided, single submitter. Criteria: Classification criteria August 2017. Collection method: clinical testing. Allele origin: paternal. Inheritance: Autosomal recessive inheritance. Affected: yes. Observed: 1 variant allele.

Genome-Nilou Lab
Classification: Pathogenic for Hereditary spastic paraplegia 11. Review status: criteria provided, single submitter. Criteria: ACMG Guidelines, 2015. Collection method: clinical testing. Allele origin: germline.

Paris Brain Institute, Inserm - ICM
Classification: Pathogenic for Hereditary spastic paraplegia 11. Review status: criteria provided, single submitter. Criteria: ACMG Guidelines, 2015. Collection method: clinical testing. Allele origin: unknown. Affected: yes. Observed: 2 variant alleles.

GeneReviews
No classification provided. Condition: Hereditary spastic paraplegia 11. Review status: no classification provided. Collection method: literature only. Allele origin: unknown. Not counted in ClinVar's aggregate classification.

Literature cited by the submitters: PubMed 19105190 (cited by Labcorp Genetics (formerly Invitae), Labcorp); PubMed 20110243 (cited by Labcorp Genetics (formerly Invitae), Labcorp); PubMed 22154821 (cited by Labcorp Genetics (formerly Invitae), Labcorp); PubMed 26556829 (cited by Labcorp Genetics (formerly Invitae), Labcorp); PubMed 18079167 (cited by Labcorp Genetics (formerly Invitae), Labcorp and GeneReviews); PubMed 22696581 (cited by Labcorp Genetics (formerly Invitae), Labcorp); PubMed 20301389 (cited by GeneReviews); NCBI Bookshelf NBK1210 (cited by GeneReviews).